The following is an entry in ClinVar:

ClinVar aggregate classification (germline): Pathogenic (1 of 4 stars; one submission).

Allele frequency attached by ClinVar (database versions not stated): gnomAD exomes below 0.00001; ExAC 0.00001.
gnomAD v4.1: 3 of 1,613,372 alleles (0.00019%); highest among the groups gnomAD compares: South Asian, 0.0022%; no homozygotes.

Submission:

Labcorp Genetics (formerly Invitae), Labcorp
Classification: Pathogenic. Last evaluated: 2023-10-13. Review status: criteria provided, single submitter. Criteria: Invitae Variant Classification Sherloc (09022015). Collection method: clinical testing. Allele origin: germline.
Comment: This sequence change affects a donor splice site in intron 68 of the CDH23 gene. It is expected to disrupt RNA splicing. Variants that disrupt the donor or acceptor splice site typically lead to a loss of protein function (PMID: 16199547), and loss-of-function variants in CDH23 are known to be pathogenic (PMID: 11138009, 21940737). The frequency data for this variant in the population databases is considered unreliable, as metrics indicate poor data quality at this position in the gnomAD database. This variant has not been reported in the literature in individuals affected with CDH23-related conditions. Algorithms developed to predict the effect of variants on protein structure and function are not available or were not evaluated for this variant. Experimental studies have shown that disruption of this splice site affects CDH23 function (PMID: 16281288). Algorithms developed to predict the effect of sequence changes on RNA splicing suggest that this variant may disrupt the consensus splice site. For these reasons, this variant has been classified as Pathogenic.

Literature cited by the submitters: PubMed 16199547; PubMed 11138009; PubMed 21940737; PubMed 16281288.

NM_022124.6(CDH23):c.9633+1G>A

Gene: CDH23 (cadherin related 23; plus strand). Cytogenetic location: 10q22.1.
Variant type: single nucleotide variant.
Coding change: c.9633+1G>A on transcript NM_022124.6 (MANE Select); the canonical splice donor site of the intron after coding-DNA position 9633, G replaced by A.
Molecular consequence: splice donor variant.
Genome position (GRCh38, 1-based): chr10:71,812,891, G>A. VCF-style: chr10-71812891-G-A. GRCh37 (hg19) VCF-style: chr10-73572648-G-A.
Other names: c.2913+1G>A (NM_001171933.1, NM_001171934.1); c.324+1G>A (NM_001171935.1, NM_001171936.1).
Identifiers: ClinVar variation 2824291 (VCV002824291.2), dbSNP rs769930300, ClinGen allele CA5547138.